The following is an entry in ClinVar:

ClinVar aggregate classification (germline): Uncertain significance (1 of 4 stars; one submission).

Conditions:
Familial thoracic aortic aneurysm and aortic dissection (TAAD). Also called: Thoracic aortic aneurysms and dissections. Identifiers: Orphanet 91387, MedGen C4707243, MONDO:0019625.

Submission:

Ambry Genetics
Classification: Uncertain significance for Familial thoracic aortic aneurysm and aortic dissection. Last evaluated: 2026-06-06. Review status: criteria provided, single submitter. Criteria: Ambry Variant Classification Scheme 2023. Collection method: clinical testing. Allele origin: germline.
Comment: The p.S116P variant (also known as c.346T>C), located in coding exon 2 of the SLC2A10 gene, results from a T to C substitution at nucleotide position 346. The serine at codon 116 is replaced by proline, an amino acid with similar properties. This amino acid position is conserved. In addition, this alteration is predicted to be deleterious by in silico analysis. Based on the available evidence, the clinical significance of this variant remains unclear.

NM_030777.4(SLC2A10):c.346T>C (p.Ser116Pro)

Gene: SLC2A10 (solute carrier family 2 member 10; plus strand). Cytogenetic location: 20q13.12.
Variant type: single nucleotide variant.
Coding change: c.346T>C on transcript NM_030777.4 (MANE Select); coding-DNA position 346, T replaced by C.
Protein change: p.Ser116Pro; replaces serine 116 with proline.
Molecular consequence: missense variant.
Genome position (GRCh38, 1-based): chr20:46,725,382, T>C. VCF-style: chr20-46725382-T-C. GRCh37 (hg19) VCF-style: chr20-45354021-T-C.
Other names: short protein forms S116P.
Identifiers: ClinVar variation 4864593 (VCV004864593.1).